The following is an entry in ClinVar:

NM_144997.7(FLCN):c.1586A>G (p.Lys529Arg)

Gene: FLCN (folliculin; minus strand). Cytogenetic location: 17p11.2.
Variant type: single nucleotide variant.
Coding change: c.1586A>G on transcript NM_144997.7 (MANE Select); coding-DNA position 1586, A replaced by G.
Protein change: p.Lys529Arg; replaces lysine 529 with arginine.
Molecular consequence: missense variant.
Genome position (GRCh38, 1-based): chr17:17,213,809, T>C on the plus strand (A>G on the coding strand, the complement: FLCN is on the minus strand). VCF-style: chr17-17213809-T-C. GRCh37 (hg19) VCF-style: chr17-17117123-T-C.
Other names: c.1640A>G, p.Lys547Arg (NM_001353229.2); c.1586A>G, p.Lys529Arg (NM_001353230.2, NM_001353231.2); short protein forms K529R, K547R.
Identifiers: ClinVar variation 3850565 (VCV003850565.1).

ClinVar aggregate classification (germline): Uncertain significance (1 of 4 stars; one submission).

Conditions:
Hereditary cancer-predisposing syndrome. Also called: Hereditary neoplastic syndrome; Neoplastic Syndromes, Hereditary; Tumor predisposition; Hereditary Cancer Syndrome. Identifiers: Orphanet 140162, MedGen C0027672, MeSH D009386, MONDO:0015356.

gnomAD v4.1: 1 of 1,614,100 alleles (0.000062%); highest among the groups gnomAD compares: Non-Finnish European, 0.000085%; no homozygotes.

Submission:

Ambry Genetics
Classification: Uncertain significance for Hereditary cancer-predisposing syndrome. Last evaluated: 2024-12-29. Review status: criteria provided, single submitter. Criteria: Ambry Variant Classification Scheme 2023. Collection method: clinical testing. Allele origin: germline.
Comment: The p.K529R variant (also known as c.1586A>G), located in coding exon 11 of the FLCN gene, results from an A to G substitution at nucleotide position 1586. The lysine at codon 529 is replaced by arginine, an amino acid with highly similar properties. This amino acid position is conserved. In addition, this alteration is predicted to be tolerated by in silico analysis. Based on the available evidence, the clinical significance of this variant remains unclear.